The following is an entry in ClinVar:

NM_001854.4(COL11A1):c.1567G>T (p.Ala523Ser)

Gene: COL11A1 (collagen type XI alpha 1 chain; minus strand). Cytogenetic location: 1p21.1.
Variant type: single nucleotide variant.
Coding change: c.1567G>T on transcript NM_001854.4 (MANE Select); coding-DNA position 1567, G replaced by T.
Protein change: p.Ala523Ser; replaces alanine 523 with serine.
Molecular consequence: missense variant. On other transcripts: non-coding transcript variant (1).
Genome position (GRCh38, 1-based): chr1:103,014,516, C>A on the plus strand (G>T on the coding strand, the complement: COL11A1 is on the minus strand). VCF-style: chr1-103014516-C-A. GRCh37 (hg19) VCF-style: chr1-103480072-C-A.
Other names: c.1219G>T, p.Ala407Ser (NM_001168249.1, NM_080630.4); c.1450G>T, p.Ala484Ser (NM_001190709.2); c.1603G>T, p.Ala535Ser (NM_080629.3); short protein forms A407S, A484S, A523S, A535S.
Identifiers: ClinVar variation 1719199 (VCV001719199.5), dbSNP rs148610199, ClinGen allele CA341179024.
Genomic context (GRCh38, chr1:103,014,516, plus strand): 5'-TATACTTGATACAGAGTCAGTCATCTTGTGGGAATGCAAGTTTATCCTGTCTTACCCGAG[C>A]CTGCTGAAGAATAGCTTGAGCCTGAGCTTCCTGAGCAGAGATGGTTGGTCCTTTGGAACC-3'
Protein context (NP_001845.3, residues 513-533): EAQAQAILQQ[Ala523Ser]RIALRGPPGP

ClinVar aggregate classification (germline): Uncertain significance (1 of 4 stars; one submission).

Submission:

Labcorp Genetics (formerly Invitae), Labcorp
Classification: Uncertain significance. Last evaluated: 2023-12-11. Review status: criteria provided, single submitter. Criteria: Invitae Variant Classification Sherloc (09022015). Collection method: clinical testing. Allele origin: germline.
Comment: This sequence change replaces alanine, which is neutral and non-polar, with serine, which is neutral and polar, at codon 523 of the COL11A1 protein (p.Ala523Ser). This variant is not present in population databases (gnomAD no frequency). This variant has not been reported in the literature in individuals affected with COL11A1-related conditions. ClinVar contains an entry for this variant (Variation ID: 1719199). Advanced modeling of protein sequence and biophysical properties (such as structural, functional, and spatial information, amino acid conservation, physicochemical variation, residue mobility, and thermodynamic stability) performed at Invitae indicates that this missense variant is not expected to disrupt COL11A1 protein function with a negative predictive value of 80%. In summary, the available evidence is currently insufficient to determine the role of this variant in disease. Therefore, it has been classified as a Variant of Uncertain Significance.